The following is an entry in ClinVar:

ClinVar aggregate classification (germline): Uncertain significance. Review status: criteria provided, multiple submitters, no conflicts (2 of 4 stars). 3 submissions from 3 submitters: Uncertain significance (3). Last evaluated 2025-02-17.

Conditions:
Neuroblastoma, susceptibility to, 3. Also called: ALK-Related Neuroblastic Tumor Susceptibility. Identifiers: Orphanet 635, MedGen C2751681, MONDO:0013083, OMIM 613014.
Hereditary cancer-predisposing syndrome. Also called: Neoplastic Syndromes, Hereditary; Hereditary neoplastic syndrome; Hereditary Cancer Syndrome; Tumor predisposition. Identifiers: Orphanet 140162, MedGen C0027672, MeSH D009386, MONDO:0015356.

Allele frequency attached by ClinVar (database versions not stated): TOPMed 0.00005.
gnomAD v4.1: 4 of 1,614,056 alleles (0.00025%); highest among the groups gnomAD compares: African/African-American, 0.0027%; no homozygotes.

Submissions (3):

Labcorp Genetics (formerly Invitae), Labcorp
Classification: Uncertain significance for Neuroblastoma, susceptibility to, 3. Last evaluated: 2025-02-17. Review status: criteria provided, single submitter. Criteria: Invitae Variant Classification Sherloc (09022015). Collection method: clinical testing. Allele origin: germline.
Comment: This sequence change replaces leucine, which is neutral and non-polar, with proline, which is neutral and non-polar, at codon 204 of the ALK protein (p.Leu204Pro). This variant is not present in population databases (gnomAD no frequency). This variant has not been reported in the literature in individuals affected with ALK-related conditions. ClinVar contains an entry for this variant (Variation ID: 656164). An algorithm developed to predict the effect of missense changes on protein structure and function (PolyPhen-2) suggests that this variant is likely to be disruptive. In summary, the available evidence is currently insufficient to determine the role of this variant in disease. Therefore, it has been classified as a Variant of Uncertain Significance.

Ambry Genetics
Classification: Uncertain significance for Hereditary cancer-predisposing syndrome. Last evaluated: 2024-11-17. Review status: criteria provided, single submitter. Criteria: Ambry Variant Classification Scheme 2023. Collection method: clinical testing. Allele origin: germline.
Comment: The p.L204P variant (also known as c.611T>C), located in coding exon 1 of the ALK gene, results from a T to C substitution at nucleotide position 611. The leucine at codon 204 is replaced by proline, an amino acid with similar properties. This amino acid position is conserved. In addition, this alteration is predicted to be deleterious by in silico analysis. Since supporting evidence is limited at this time, the clinical significance of this alteration remains unclear.

GeneDx
Classification: Uncertain significance. Last evaluated: 2023-10-24. Review status: criteria provided, single submitter. Criteria: GeneDx Variant Classification Process June 2021. Collection method: clinical testing. Allele origin: germline. Affected: yes.
Comment: Not observed at significant frequency in large population cohorts (gnomAD); In silico analysis supports that this missense variant does not alter protein structure/function; Has not been previously published as pathogenic or benign to our knowledge

NM_004304.5(ALK):c.611T>C (p.Leu204Pro)

Gene: ALK (ALK receptor tyrosine kinase; minus strand). Cytogenetic location: 2p23.1.
Variant type: single nucleotide variant.
Coding change: c.611T>C on transcript NM_004304.5 (MANE Select); coding-DNA position 611, T replaced by C.
Protein change: p.Leu204Pro; replaces leucine 204 with proline.
Molecular consequence: missense variant.
Genome position (GRCh38, 1-based): chr2:29,920,049, A>G on the plus strand (T>C on the coding strand, the complement: ALK is on the minus strand). VCF-style: chr2-29920049-A-G. GRCh37 (hg19) VCF-style: chr2-30142915-A-G.
Other names: short protein forms L204P.
Identifiers: ClinVar variation 656164 (VCV000656164.11), dbSNP rs1426655261, ClinGen allele CA346589690.